The following is an entry in ClinVar:

ClinVar aggregate classification (germline): Uncertain significance. Review status: criteria provided, single submitter (1 of 4 stars). 2 submissions from 1 submitter: Uncertain significance (1). 1 of the submissions does not count toward it. Last evaluated 2021-08-11.

Conditions:
Pitt-Hopkins-like syndrome 2 (PTHSL2). Identifiers: Orphanet 221150, Orphanet 600663, MedGen C3280479, MONDO:0013690, OMIM 614325.

Submissions (2):

Labcorp Genetics (formerly Invitae), Labcorp
Classification: Uncertain significance for Pitt-Hopkins-like syndrome 2. Last evaluated: 2021-08-11. Review status: criteria provided, single submitter. Criteria: Invitae Variant Classification Sherloc (09022015). Collection method: clinical testing. Allele origin: germline.
Comment: This variant results in a copy number gain of the genomic region encompassing exon(s) 23-24 of the NRXN1 gene. This region includes the termination codon of the gene. This copy number gain extends beyond the assayed region for this gene and therefore may encompass additional genes. As the precise location of this event is unknown, it may be in tandem or it may be located elsewhere in the genome. This variant has not been reported in the literature in individuals affected with NRXN1-related conditions. Experimental studies and prediction algorithms are not available or were not evaluated, and the functional significance of this variant is currently unknown. In summary, the available evidence is currently insufficient to determine the role of this variant in disease. Therefore, it has been classified as a Variant of Uncertain Significance.

Labcorp Genetics (formerly Invitae), Labcorp
Classification: Uncertain significance. Last evaluated: 2021-08-11. Review status: flagged submission. Criteria: Invitae Variant Classification Sherloc (09022015). Collection method: clinical testing. Allele origin: germline. Not counted in ClinVar's aggregate classification.
Comment: A copy number gain of the genomic region encompassing the full coding sequence of the FBXO11 gene has been identified. The boundaries of this event are unknown as they extend beyond the assayed region for this gene and therefore may encompass additional genes. As the precise location of this event is unknown, it may be in tandem or it may be located elsewhere in the genome. This variant has not been reported in the literature in individuals affected with FBXO11-related conditions. In summary, the available evidence is currently insufficient to determine the role of this variant in disease. Therefore, it has been classified as a Variant of Uncertain Significance.
ClinVar note: Reason: This record appears to be redundant with a more recent record from the same submitter.
ClinVar note: Notes: SCV002168678 appears to be redundant with SCV002274367.

NC_000002.11:g.(?_48018046)_(50170949_?)dup

Genes: FBXO11 (F-box protein 11; minus strand), FOXN2 (forkhead box N2; plus strand), FSHR (follicle stimulating hormone receptor; minus strand), GTF2A1L (general transcription factor IIA subunit 1 like; plus strand), LHCGR (luteinizing hormone/choriogonadotropin receptor; minus strand) and 5 more. Cytogenetic location: 2p16.3.
Variant type: Duplication.
Identifiers: ClinVar variation 1399732 (VCV001399732.5).